The following is an entry in ClinVar:

NM_001024845.3(SLC6A9):c.1381T>G (p.Phe461Val)

Gene: SLC6A9 (solute carrier family 6 member 9; minus strand). Cytogenetic location: 1p34.1.
Variant type: single nucleotide variant.
Coding change: c.1381T>G on transcript NM_001024845.3 (MANE Select); coding-DNA position 1381, T replaced by G.
Protein change: p.Phe461Val; replaces phenylalanine 461 with valine.
Molecular consequence: missense variant. On other transcripts: non-coding transcript variant (1).
Genome position (GRCh38, 1-based): chr1:44,001,010, A>C on the plus strand (T>G on the coding strand, the complement: SLC6A9 is on the minus strand). VCF-style: chr1-44001010-A-C. GRCh37 (hg19) VCF-style: chr1-44466682-A-C.
Other names: c.1393T>G, p.Phe465Val (NM_001261380.2); c.1048T>G, p.Phe350Val (NM_001328626.2, NM_001328630.2); c.1318T>G, p.Phe440Val (NM_001328627.1); c.1186T>G, p.Phe396Val (NM_001328628.1); c.1381T>G, p.Phe461Val (NM_001328629.1); c.1438T>G, p.Phe480Val (NM_006934.4); c.1600T>G, p.Phe534Val (NM_201649.4); short protein forms F350V, F396V, F440V, F461V, F465V, F480V, F534V.
Identifiers: ClinVar variation 1015814 (VCV001015814.8), dbSNP rs1156758875, ClinGen allele CA340068120.
Genomic context (GRCh38, chr1:44,001,010, plus strand): 5'-GCTCACCGTAGATGTACATGATGGCCACACACATGATGCAGGAGATGACCACCAAGGAGA[A>C]GCTGGCCGCATAGTTGTCCATCAGCAGCAGCCAATAGATGCCTGCCTGGGGAACAGCGGG-3'
Protein context (NP_001020016.1, residues 451-471): LLLMDNYAAS[Phe461Val]SLVVISCIMC

ClinVar aggregate classification (germline): Uncertain significance (1 of 4 stars; one submission).

Conditions:
Atypical glycine encephalopathy. Also called: Glycine encephalopathy with normal serum glycine. Identifiers: Orphanet 289863, MedGen C4310943, MONDO:0015010, OMIM 617301.

Allele frequency attached by ClinVar (database versions not stated): gnomAD exomes 0.00001; gnomAD 0.00002.
gnomAD v4.1: 6 of 1,581,942 alleles (0.00038%); highest among the groups gnomAD compares: African/African-American, 0.0027%; no homozygotes.

Submission:

Labcorp Genetics (formerly Invitae), Labcorp
Classification: Uncertain significance for Atypical glycine encephalopathy. Last evaluated: 2022-08-16. Review status: criteria provided, single submitter. Criteria: Invitae Variant Classification Sherloc (09022015). Collection method: clinical testing. Allele origin: germline.
Comment: This sequence change replaces phenylalanine, which is neutral and non-polar, with valine, which is neutral and non-polar, at codon 534 of the SLC6A9 protein (p.Phe534Val). This variant is present in population databases (no rsID available, gnomAD 0.01%). This variant has not been reported in the literature in individuals affected with SLC6A9-related conditions. ClinVar contains an entry for this variant (Variation ID: 1015814). Algorithms developed to predict the effect of missense changes on protein structure and function are either unavailable or do not agree on the potential impact of this missense change (SIFT: "Tolerated"; PolyPhen-2: "Possibly Damaging"; Align-GVGD: "Class C0"). In summary, the available evidence is currently insufficient to determine the role of this variant in disease. Therefore, it has been classified as a Variant of Uncertain Significance.